The following is an entry in ClinVar:

ClinVar aggregate classification (germline): Uncertain significance (1 of 4 stars; one submission).

Allele frequency attached by ClinVar (database versions not stated): gnomAD exomes 0.00001; TOPMed 0.00001; ExAC 0.00001; gnomAD 0.00001.
gnomAD v4.1: 20 of 1,614,074 alleles (0.0012%); highest among the groups gnomAD compares: African/African-American, 0.0027%; no homozygotes.

Submission:

GeneDx
Classification: Uncertain significance. Last evaluated: 2024-09-17. Review status: criteria provided, single submitter. Criteria: GeneDx Variant Classification Process June 2021. Collection method: clinical testing. Allele origin: germline.
Comment: In silico analysis supports that this missense variant has a deleterious effect on protein structure/function; Has not been previously published as pathogenic or benign to our knowledge

NM_014738.6(TMEM94):c.817C>T (p.Arg273Trp)

Gene: TMEM94 (transmembrane protein 94; plus strand). Cytogenetic location: 17q25.1.
Variant type: single nucleotide variant.
Coding change: c.817C>T on transcript NM_014738.6 (MANE Select); coding-DNA position 817, C replaced by T.
Protein change: p.Arg273Trp; replaces arginine 273 with tryptophan.
Molecular consequence: missense variant.
Genome position (GRCh38, 1-based): chr17:75,489,318, C>T. VCF-style: chr17-75489318-C-T. GRCh37 (hg19) VCF-style: chr17-73485399-C-T.
Other names: c.847C>T, p.Arg283Trp (NM_001321148.2, NM_001351203.2); c.817C>T, p.Arg273Trp (NM_001321149.2, NM_001351202.2); short protein forms R273W, R283W.
Identifiers: ClinVar variation 2499296 (VCV002499296.2), dbSNP rs754884223, ClinGen allele CA8761602.